The following is an entry in ClinVar:

ClinVar aggregate classification (germline): Uncertain significance (1 of 4 stars; one submission).

Conditions:
Retinoblastoma (RB1). Also called: RETINOBLASTOMA, SOMATIC. Identifiers: Orphanet 790, MedGen C0035335, MeSH D012175, MONDO:0008380, OMIM 180200, HP:0009919. Disease mechanism: loss of function. Inheritance: Both sporadic and heritable forms are tested..

Submission:

Labcorp Genetics (formerly Invitae), Labcorp
Classification: Uncertain significance for Retinoblastoma. Last evaluated: 2025-06-02. Review status: criteria provided, single submitter. Criteria: Invitae Variant Classification Sherloc (09022015). Collection method: clinical testing. Allele origin: germline.
Comment: This variant occurs in a non-coding region of the RB1 gene. It does not change the encoded amino acid sequence of the RB1 protein. This variant is not present in population databases (gnomAD no frequency). This variant has not been reported in the literature in individuals affected with RB1-related conditions. In summary, the available evidence is currently insufficient to determine the role of this variant in disease. Therefore, it has been classified as a Variant of Uncertain Significance.

NM_000321.3(RB1):c.-54C>T

Gene: RB1 (RB transcriptional corepressor 1; plus strand). Cytogenetic location: 13q14.2.
Variant type: single nucleotide variant.
Coding change: c.-54C>T on transcript NM_000321.3 (MANE Select); 54 bases upstream of the start codon, C replaced by T.
Molecular consequence: 5 prime UTR variant.
Genome position (GRCh38, 1-based): chr13:48,303,859, C>T. VCF-style: chr13-48303859-C-T. GRCh37 (hg19) VCF-style: chr13-48877995-C-T.
Other names: c.-54C>T (NM_001407165.1, NM_001407166.1, NM_001407167.1).
Identifiers: ClinVar variation 4691462 (VCV004691462.1).